The following is an entry in ClinVar:

NM_000465.3(BARD1):c.1315-?_*(1_?)dup

Genes: BARD1 (BRCA1 associated RING domain 1; minus strand), LOC129935541 (ATAC-STARR-seq lymphoblastoid active region 17071; plus strand), LOC129935540 (ATAC-STARR-seq lymphoblastoid active region 17070; plus strand). Cytogenetic location: 2q35.
Variant type: Duplication.
Coding change: c.1315-?_*(1_?)dup on transcript NM_000465.3.
Identifiers: ClinVar variation 216434 (VCV000216434.2).

ClinVar aggregate classification (germline): Uncertain significance (1 of 4 stars; one submission).

Conditions:
Familial cancer of breast. Also called: Hereditary breast cancer; BREAST CANCER, FAMILIAL; hereditary breast carcinoma. Identifiers: Orphanet 227535, MedGen C0346153, MONDO:0016419, OMIM 114480. Disease mechanism: loss of function.

Submission:

Labcorp Genetics (formerly Invitae), Labcorp
Classification: Uncertain significance for Familial cancer of breast. Last evaluated: 2015-05-27. Review status: criteria provided, single submitter. Criteria: Invitae Variant Classification Sherloc (09022015). Collection method: clinical testing. Allele origin: germline.
Comment: This sequence change is a gross duplication of the genomic region encompassing exons 5-11 of the BARD1 gene. This duplication extends to the edge of the assayed region, and the 3' boundary of this event is not known. This variant has not been published in the literature and is not present in copy number variation databases. The exact position of the duplicated exons cannot be determined from this data, and the effect of this variant is unknown. Therefore, it has been classified as a Variant of Uncertain Significance.